The following is an entry in ClinVar:

ClinVar aggregate classification (germline): Uncertain significance (1 of 4 stars; one submission).

Allele frequency attached by ClinVar (database versions not stated): gnomAD exomes below 0.00001.
gnomAD v4.1: 1 of 1,614,132 alleles (0.000062%); highest among the groups gnomAD compares: East Asian, 0.0022%; no homozygotes.

Submission:

Labcorp Genetics (formerly Invitae), Labcorp
Classification: Uncertain significance. Last evaluated: 2021-09-20. Review status: criteria provided, single submitter. Criteria: Invitae Variant Classification Sherloc (09022015). Collection method: clinical testing. Allele origin: germline.
Comment: In summary, the available evidence is currently insufficient to determine the role of this variant in disease. Therefore, it has been classified as a Variant of Uncertain Significance. Algorithms developed to predict the effect of missense changes on protein structure and function output the following: SIFT: "Tolerated"; PolyPhen-2: "Benign"; Align-GVGD: "Class C0". The serine amino acid residue is found in multiple mammalian species, which suggests that this missense change does not adversely affect protein function. This variant has not been reported in the literature in individuals affected with FAM161A-related conditions. This variant is not present in population databases (ExAC no frequency). This sequence change replaces threonine with serine at codon 217 of the FAM161A protein (p.Thr217Ser). The threonine residue is moderately conserved and there is a small physicochemical difference between threonine and serine.

NM_001201543.2(FAM161A):c.650C>G (p.Thr217Ser)

Gene: FAM161A (FAM161 centrosomal protein A; minus strand). Cytogenetic location: 2p15.
Variant type: single nucleotide variant.
Coding change: c.650C>G on transcript NM_001201543.2 (MANE Select); coding-DNA position 650, C replaced by G.
Protein change: p.Thr217Ser; replaces threonine 217 with serine.
Molecular consequence: missense variant. On other transcripts: non-coding transcript variant (1).
Genome position (GRCh38, 1-based): chr2:61,840,354, G>C on the plus strand (C>G on the coding strand, the complement: FAM161A is on the minus strand). VCF-style: chr2-61840354-G-C. GRCh37 (hg19) VCF-style: chr2-62067489-G-C.
Other names: c.650C>G, p.Thr217Ser (NM_032180.3); short protein forms T217S.
Identifiers: ClinVar variation 1468398 (VCV001468398.6), dbSNP rs2105083310, ClinGen allele CA346988687.